The following is an entry in ClinVar:

ClinVar aggregate classification (germline): Likely benign (0 of 4 stars; one submission).

Conditions:
BBS5-related disorder. Also called: BBS5-related condition.

gnomAD v4.1: 18 of 1,591,604 alleles (0.0011%); highest among the groups gnomAD compares: African/African-American, 0.02%; no homozygotes.

Submission:

PreventionGenetics, part of Exact Sciences
Classification: Likely benign for BBS5-related condition. Last evaluated: 2020-12-22. Review status: no assertion criteria provided. Collection method: clinical testing. Allele origin: germline.
Comment: This variant is classified as likely benign based on ACMG/AMP sequence variant interpretation guidelines (Richards et al. 2015 PMID: 25741868, with internal and published modifications).

NM_152384.3(BBS5):c.*5C>A

Gene: BBS5 (Bardet-Biedl syndrome 5; plus strand). Cytogenetic location: 2q31.1.
Variant type: single nucleotide variant.
Coding change: c.*5C>A on transcript NM_152384.3 (MANE Select); 5 bases downstream of the stop codon, C replaced by A.
Molecular consequence: 3 prime UTR variant.
Genome position (GRCh38, 1-based): chr2:169,504,587, C>A. VCF-style: chr2-169504587-C-A. GRCh37 (hg19) VCF-style: chr2-170361097-C-A.
Identifiers: ClinVar variation 3351857 (VCV003351857.1).